The following is an entry in ClinVar:

NM_139125.4(MASP1):c.125G>A (p.Ser42Asn)

Genes: MASP1 (MBL associated serine protease 1; minus strand), LOC108281160 (MED14-independent group 3 enhancer GRCh37_chr3:187003628-187004827; plus strand). Cytogenetic location: 3q27.3.
Variant type: single nucleotide variant.
Coding change: c.125G>A on transcript NM_139125.4 (MANE Select); coding-DNA position 125, G replaced by A.
Protein change: p.Ser42Asn; replaces serine 42 with asparagine.
Molecular consequence: missense variant.
Genome position (GRCh38, 1-based): chr3:187,285,937, C>T on the plus strand (G>A on the coding strand, the complement: MASP1 is on the minus strand). VCF-style: chr3-187285937-C-T. GRCh37 (hg19) VCF-style: chr3-187003725-C-T.
Other names: c.125G>A, p.Ser42Asn (NM_001031849.3, NM_001879.6); short protein forms S42N.
Identifiers: ClinVar variation 840149 (VCV000840149.7), dbSNP rs1717812573, ClinGen allele CA355849841.

ClinVar aggregate classification (germline): Uncertain significance (1 of 4 stars; one submission).

Conditions:
3MC syndrome 1. Also called: MICHELS SYNDROME; CRANIOSYNOSTOSIS WITH LID ANOMALIES; OCULOPALATOSKELETAL SYNDROME. Identifiers: Orphanet 293843, MedGen C0796059, MONDO:0009770, OMIM 257920.

Submission:

Labcorp Genetics (formerly Invitae), Labcorp
Classification: Uncertain significance for 3MC syndrome 1. Last evaluated: 2019-01-11. Review status: criteria provided, single submitter. Criteria: Invitae Variant Classification Sherloc (09022015). Collection method: clinical testing. Allele origin: germline.
Comment: This sequence change replaces serine with asparagine at codon 42 of the MASP1 protein (p.Ser42Asn). The serine residue is highly conserved and there is a small physicochemical difference between serine and asparagine. This variant is not present in population databases (ExAC no frequency). This variant has not been reported in the literature in individuals with MASP1-related conditions. Algorithms developed to predict the effect of missense changes on protein structure and function (SIFT, PolyPhen-2, Align-GVGD) all suggest that this variant is likely to be tolerated, but these predictions have not been confirmed by published functional studies and their clinical significance is uncertain. In summary, the available evidence is currently insufficient to determine the role of this variant in disease. Therefore, it has been classified as a Variant of Uncertain Significance.